The following is an entry in ClinVar:

ClinVar aggregate classification (germline): Pathogenic. Review status: criteria provided, multiple submitters, no conflicts (2 of 4 stars). 2 submissions from 2 submitters: Pathogenic (2). Last evaluated 2019-11-21.

Conditions:
Ataxia-telangiectasia syndrome (AT). Also called: ATAXIA-TELANGIECTASIA, COMPLEMENTATION GROUP A; ATAXIA-TELANGIECTASIA, FRESNO VARIANT; Ataxia-telangiectasia, complementation group E; Ataxia telangiectasia (A-T); LOUIS-BAR SYNDROME; Cerebello-oculocutaneous telangiectasia. Identifiers: Orphanet 100, MedGen C0004135, MONDO:0008840, OMIM 208900.
Hereditary cancer-predisposing syndrome. Also called: Neoplastic Syndromes, Hereditary; Hereditary Cancer Syndrome; Hereditary neoplastic syndrome; Tumor predisposition. Identifiers: Orphanet 140162, MedGen C0027672, MeSH D009386, MONDO:0015356.

Submissions (2):

Labcorp Genetics (formerly Invitae), Labcorp
Classification: Pathogenic for Ataxia-telangiectasia syndrome. Last evaluated: 2019-11-21. Review status: criteria provided, single submitter. Criteria: Invitae Variant Classification Sherloc (09022015). Collection method: clinical testing. Allele origin: germline.
Comment: For these reasons, this variant has been classified as Pathogenic. Loss-of-function variants in ATM are known to be pathogenic (PMID: 23807571, 25614872). This variant has not been reported in the literature in individuals with ATM-related conditions. This variant is not present in population databases (ExAC no frequency). This sequence change creates a premature translational stop signal (p.Tyr1717*) in the ATM gene. It is expected to result in an absent or disrupted protein product.

Ambry Genetics
Classification: Pathogenic for Hereditary cancer-predisposing syndrome. Last evaluated: 2018-04-10. Review status: criteria provided, single submitter. Criteria: Ambry Variant Classification Scheme 2023. Collection method: clinical testing. Allele origin: germline.
Comment: The c.5150dupA pathogenic mutation, located in coding exon 33 of the ATM gene, results from a duplication of A at nucleotide position 5150, causing a translational frameshift with a predicted alternate stop codon (p.Y1717*). This alteration is expected to result in loss of function by premature protein truncation or nonsense-mediated mRNA decay. As such, this alteration is interpreted as a disease-causing mutation.

Literature cited by the submitters: PubMed 23807571 (cited by Labcorp Genetics (formerly Invitae), Labcorp); PubMed 25614872 (cited by Labcorp Genetics (formerly Invitae), Labcorp).

NM_000051.4(ATM):c.5150dup (p.Tyr1717Ter)

Gene: ATM (ATM serine/threonine kinase; plus strand). Cytogenetic location: 11q22.3.
Variant type: Duplication.
Coding change: c.5150dup on transcript NM_000051.4 (MANE Select); coding-DNA position 5150, one base duplicated (A; older notation c.5150dupA).
Protein change: p.Tyr1717Ter; replaces tyrosine 1717 with a stop codon.
Molecular consequence: nonsense.
Genome position (GRCh38, 1-based): chr11:108,299,858, A duplicated. VCF-style (leftmost placement, unchanged base first): chr11-108299857-T-TA. GRCh37 (hg19) VCF-style: chr11-108170584-T-TA.
Other names: c.5150dup, p.Tyr1717Ter (NM_001351834.2); c.5150dup (NM_000051.3); short protein forms Y1717*.
Identifiers: ClinVar variation 825482 (VCV000825482.12), dbSNP rs1591702911, ClinGen allele CA915947622.
Genomic context (GRCh38, chr11:108,299,857, plus strand): 5'-ACCAAGGCCCTTAAGTTATTTGAAGATAAAGAACTTCAGTGGACCTTCATAATGCTGACC[T>TA]ACCTGAATAACACACTGGTAGAAGATTGGTGAGTATTTATTGATACCTTATATGTAATCT-3'